The following is an entry in ClinVar:

ClinVar aggregate classification (germline): Likely pathogenic (1 of 4 stars; one submission).

Conditions:
Dilated cardiomyopathy 1G (CMD1G). Identifiers: Orphanet 154, MedGen C1858763, MONDO:0011400, OMIM 604145.
Autosomal recessive limb-girdle muscular dystrophy type 2J (LGMDR10). Also called: Limb-girdle muscular dystrophy, type 2J; MUSCULAR DYSTROPHY, LIMB-GIRDLE, AUTOSOMAL RECESSIVE 10. Identifiers: Orphanet 140922, MedGen C1837342, MONDO:0012127, OMIM 608807.

Submission:

Labcorp Genetics (formerly Invitae), Labcorp
Classification: Likely pathogenic for Dilated cardiomyopathy 1G; Autosomal recessive limb-girdle muscular dystrophy type 2J. Last evaluated: 2024-10-28. Review status: criteria provided, single submitter. Criteria: Invitae Variant Classification Sherloc (09022015). Collection method: clinical testing. Allele origin: germline.
Comment: This sequence change creates a premature translational stop signal (p.Asn13805Lysfs*28) in the TTN gene. While this is not anticipated to result in nonsense mediated decay, it is expected to create a truncated TTN protein. This variant is not present in population databases (gnomAD no frequency). This variant has not been reported in the literature in individuals affected with TTN-related conditions. ClinVar contains an entry for this variant (Variation ID: 658291). This variant is located in the I band of TTN (PMID: 25589632). Truncating variants in this region have been reported in individuals affected with autosomal recessive centronuclear myopathy (PMID: 23975875, internal data). Truncating variants in this region have also been identified in individuals affected with autosomal dominant dilated cardiomyopathy and/or cardio-related conditions (PMID: 27869827, 32964742, internal data). In summary, the currently available evidence indicates that the variant is pathogenic, but additional data are needed to prove that conclusively. Therefore, this variant has been classified as Likely Pathogenic.

Literature cited by the submitters: PubMed 25589632; PubMed 23975875; PubMed 27869827; PubMed 32964742.

NM_001267550.2(TTN):c.41415_41418del (p.Asn13805fs)

Gene: TTN (titin; minus strand). Cytogenetic location: 2q31.2.
Variant type: Deletion.
Coding change: c.41415_41418del on transcript NM_001267550.2 (MANE Select); coding-DNA positions 41415 to 41418, 4 bases deleted (CAAA; older notation c.41415_41418delCAAA).
Protein change: p.Asn13805fs; shifts the reading frame from asparagine 13805.
Molecular consequence: frameshift variant.
Genome position (GRCh38, 1-based): chr2:178,636,153-178,636,156, TTTG deleted on the plus strand (CAAA on the coding strand, the reverse complement: TTN is on the minus strand); deleting any 4 consecutive bases within chr2:178,636,153-178,636,159 gives the same sequence; the c. name uses the placement nearest the transcript's 3' end. VCF-style (leftmost placement, unchanged base first): chr2-178636152-CTTTG-C. GRCh37 (hg19) VCF-style: chr2-179500879-CTTTG-C.
Other names: c.36492_36495del, p.Asn12164fs (NM_001256850.1); c.14220_14223del, p.Asn4740fs (NM_003319.4); c.33711_33714del, p.Asn11237fs (NM_133378.4); c.14595_14598del, p.Asn4865fs (NM_133432.3); c.14796_14799del, p.Asn4932fs (NM_133437.4); c.41415_41418delCAAA (NM_001267550.2); short protein forms N11237fs, N12164fs, N4865fs, N4932fs, N13805fs, N4740fs.
Identifiers: ClinVar variation 658291 (VCV000658291.7), dbSNP rs1576741993, ClinGen allele CA915942131.
Genomic context (GRCh38, chr2:178,636,152, plus strand): 5'-CAATTCGGCCAGGTTTCTCCACCACAATCTTGCCATCCTTCCTCCAGACCACGTCACGCT[CTTTG>C]TTTAACTCGCAGCTCAAGTACAATGGCTGTCCTTTGACCACTGTGACTTCCTCTTCCAGT-3'